The following is an entry in ClinVar:

NM_018489.3(ASH1L):c.7982-10G>A

Gene: ASH1L (ASH1 like histone lysine methyltransferase; minus strand). Cytogenetic location: 1q22.
Variant type: single nucleotide variant.
Coding change: c.7982-10G>A on transcript NM_018489.3 (MANE Select); 10 bases into the intron before coding-DNA position 7982, G replaced by A.
Molecular consequence: intron variant.
Genome position (GRCh38, 1-based): chr1:155,343,752, C>T on the plus strand (G>A on the coding strand, the complement: ASH1L is on the minus strand). VCF-style: chr1-155343752-C-T. GRCh37 (hg19) VCF-style: chr1-155313543-C-T.
Other names: c.7997-10G>A (NM_001366177.2).
Identifiers: ClinVar variation 4885148 (VCV004885148.2).

ClinVar aggregate classification (germline): Uncertain significance (1 of 4 stars; one submission).

gnomAD v4.1: 1 of 1,610,386 alleles (0.000062%); highest among the groups gnomAD compares: Non-Finnish European, 0.000085%; no homozygotes.

Submission:

Dasa
Classification: Uncertain significance. Last evaluated: 2025-04-17. Review status: criteria provided, single submitter. Criteria: DASA Assertion Criteria. Collection method: clinical testing. Allele origin: germline.
Comment: NM_018489.3(ASH1L):c.7982-10G>A is a splice-region variant. This variant is rare in population databases. Computational prediction algorithms are consistent with a benign effect. The currently available literature and clinical evidence are not sufficient to establish a definitive association between this variant and the reported condition. Therefore, this variant is classified as a variant of uncertain significance.